The following is an entry in ClinVar:

ClinVar aggregate classification (germline): Uncertain significance (0 of 4 stars; one submission).

Conditions:
ATP6V0A2-related disorder. Also called: ATP6V0A2-related condition.

Allele frequency attached by ClinVar (database versions not stated): ExAC 0.00001.

Submission:

PreventionGenetics, part of Exact Sciences
Classification: Uncertain significance for ATP6V0A2-related condition. Last evaluated: 2024-02-28. Review status: no assertion criteria provided. Collection method: clinical testing. Allele origin: germline.
Comment: The ATP6V0A2 c.1431C>G variant is predicted to result in the amino acid substitution p.Asn477Lys. To our knowledge, this variant has not been reported in the literature. This variant is reported in 0.00088% of alleles in individuals of European (Non-Finnish) descent in gnomAD. At this time, the clinical significance of this variant is uncertain due to the absence of conclusive functional and genetic evidence.

NM_012463.4(ATP6V0A2):c.1431C>G (p.Asn477Lys)

Gene: ATP6V0A2 (ATPase H+ transporting V0 subunit a2; plus strand). Cytogenetic location: 12q24.31.
Variant type: single nucleotide variant.
Coding change: c.1431C>G on transcript NM_012463.4 (MANE Select); coding-DNA position 1431, C replaced by G.
Protein change: p.Asn477Lys; replaces asparagine 477 with lysine.
Molecular consequence: missense variant.
Genome position (GRCh38, 1-based): chr12:123,744,701, C>G. VCF-style: chr12-123744701-C-G. GRCh37 (hg19) VCF-style: chr12-124229248-C-G.
Other names: short protein forms N477K.
Identifiers: ClinVar variation 3044062 (VCV003044062.2), dbSNP rs755721045, ClinGen allele CA6861925.
Genomic context (GRCh38, chr12:123,744,701, plus strand): 5'-GGGGCTGTTCTCAGTGTACACTGGCCTCATCTACAACGACTGCTTTTCAAAGTCAGTCAA[C>G]CTGTTCGGCTCTGGGTGGAACGTGTCGGCCATGTACAGCTCCAGCCACCCACCCGCAGAG-3'
Protein context (NP_036595.2, residues 467-487): IYNDCFSKSV[Asn477Lys]LFGSGWNVSA